The following is an entry in ClinVar:

ClinVar aggregate classification (germline): Likely benign (1 of 4 stars; one submission).

Allele frequency attached by ClinVar (database versions not stated): TOPMed 0.00004 and 0.00002.

Submission:

GeneDx
Classification: Likely benign. Last evaluated: 2017-03-14. Review status: criteria provided, single submitter. Criteria: GeneDx Variant Classification (06012015). Collection method: clinical testing. Allele origin: germline. Affected: yes.
Comment: This variant is considered likely benign or benign based on one or more of the following criteria: it is a conservative change, it occurs at a poorly conserved position in the protein, it is predicted to be benign by multiple in silico algorithms, and/or has population frequency not consistent with disease.

NM_018127.7(ELAC2):c.-30G>A

Gene: ELAC2 (elaC ribonuclease Z 2; minus strand). Cytogenetic location: 17p12.
Variant type: single nucleotide variant.
Coding change: c.-30G>A on transcript NM_018127.7 (MANE Select); 30 bases upstream of the start codon, G replaced by A.
Molecular consequence: 5 prime UTR variant.
Genome position (GRCh38, 1-based): chr17:13,017,977, C>T on the plus strand (G>A on the coding strand, the complement: ELAC2 is on the minus strand). VCF-style: chr17-13017977-C-T. GRCh37 (hg19) VCF-style: chr17-12921294-C-T.
Other names: c.-30G>A (NM_001165962.2, NM_173717.2).
Identifiers: ClinVar variation 507904 (VCV000507904.1), dbSNP rs549348414, ClinGen allele CA658798717.
Genomic context (GRCh38, chr17:13,017,977, plus strand): 5'-CGGACCGCAGCAGCGAGCAAAGCGCCCACATGCGCCCGTCTCCACCAAAACTGAGAAAGC[C>T]GCCGGTCACCTACGCCCGCGTTTCCCGTGCACCACCTAGCCGCTCCGCATGGCGGATCCA-3'